The following is an entry in ClinVar:

ClinVar aggregate classification (germline): Uncertain significance. Review status: criteria provided, multiple submitters, no conflicts (2 of 4 stars). 2 submissions from 2 submitters: Uncertain significance (2). Last evaluated 2024-02-19.

Conditions:
Hereditary cancer-predisposing syndrome. Also called: Tumor predisposition; Hereditary neoplastic syndrome; Hereditary Cancer Syndrome; Neoplastic Syndromes, Hereditary. Identifiers: Orphanet 140162, MedGen C0027672, MeSH D009386, MONDO:0015356.
Rhabdoid tumor predisposition syndrome 2 (RTPS2). Identifiers: Orphanet 231108, Orphanet 69077, MedGen C2750074, MONDO:0013224, OMIM 613325.

Submissions (2):

Ambry Genetics
Classification: Uncertain significance for Hereditary cancer-predisposing syndrome. Last evaluated: 2024-02-19. Review status: criteria provided, single submitter. Criteria: Ambry Variant Classification Scheme 2023. Collection method: clinical testing. Allele origin: germline.
Comment: The p.M42T variant (also known as c.125T>C), located in coding exon 1 of the SMARCA4 gene, results from a T to C substitution at nucleotide position 125. The methionine at codon 42 is replaced by threonine, an amino acid with similar properties. This variant has been detected in multiple individuals with no reported features of Coffin-Siris syndrome (Ambry internal data). This amino acid position is highly conserved in available vertebrate species. In addition, the in silico prediction for this alteration is inconclusive. Based on the supporting evidence, the association of this alteration with rhabdoid tumor predisposition syndrome is unknown; however, the association of this alteration with Coffin-Siris syndrome is unlikely.

Labcorp Genetics (formerly Invitae), Labcorp
Classification: Uncertain significance for Rhabdoid tumor predisposition syndrome 2. Last evaluated: 2022-12-05. Review status: criteria provided, single submitter. Criteria: Invitae Variant Classification Sherloc (09022015). Collection method: clinical testing. Allele origin: germline.
Comment: ClinVar contains an entry for this variant (Variation ID: 1051655). This variant has not been reported in the literature in individuals affected with SMARCA4-related conditions. This variant is not present in population databases (gnomAD no frequency). This sequence change replaces methionine, which is neutral and non-polar, with threonine, which is neutral and polar, at codon 42 of the SMARCA4 protein (p.Met42Thr). In summary, the available evidence is currently insufficient to determine the role of this variant in disease. Therefore, it has been classified as a Variant of Uncertain Significance. Advanced modeling of protein sequence and biophysical properties (such as structural, functional, and spatial information, amino acid conservation, physicochemical variation, residue mobility, and thermodynamic stability) has been performed at Invitae for this missense variant, however the output from this modeling did not meet the statistical confidence thresholds required to predict the impact of this variant on SMARCA4 protein function.

NM_003072.5(SMARCA4):c.125T>C (p.Met42Thr)

Gene: SMARCA4 (SWI/SNF related BAF chromatin remodeling complex subunit ATPase 4; plus strand). Cytogenetic location: 19p13.2.
Variant type: single nucleotide variant.
Coding change: c.125T>C on transcript NM_003072.5 (MANE Select); coding-DNA position 125, T replaced by C.
Protein change: p.Met42Thr; replaces methionine 42 with threonine.
Molecular consequence: missense variant. On other transcripts: non-coding transcript variant (1).
Genome position (GRCh38, 1-based): chr19:10,984,276, T>C. VCF-style: chr19-10984276-T-C. GRCh37 (hg19) VCF-style: chr19-11094952-T-C.
Other names: c.125T>C, p.Met42Thr (NM_001128844.3, NM_001128845.2, NM_001128846.2 and 5 more transcripts); short protein forms M42T.
Identifiers: ClinVar variation 1051655 (VCV001051655.11), dbSNP rs1046243225, ClinGen allele CA305285715.